The following is an entry in ClinVar:

NM_001042492.3(NF1):c.5583T>G (p.Asn1861Lys)

Gene: NF1 (neurofibromin 1; plus strand). Cytogenetic location: 17q11.2.
Variant type: single nucleotide variant.
Coding change: c.5583T>G on transcript NM_001042492.3 (MANE Select); coding-DNA position 5583, T replaced by G.
Protein change: p.Asn1861Lys; replaces asparagine 1861 with lysine.
Molecular consequence: missense variant.
Genome position (GRCh38, 1-based): chr17:31,327,813, T>G. VCF-style: chr17-31327813-T-G. GRCh37 (hg19) VCF-style: chr17-29654831-T-G.
Other names: c.5520T>G, p.Asn1840Lys (NM_000267.4); short protein forms N1840K, N1861K.
Identifiers: ClinVar variation 1472729 (VCV001472729.8), dbSNP rs2151541871, ClinGen allele CA399010020.

ClinVar aggregate classification (germline): Likely pathogenic (1 of 4 stars; one submission).

Conditions:
Neurofibromatosis, type 1 (NF1). Also called: Neurofibromatosis, type I; VON RECKLINGHAUSEN DISEASE; NEUROFIBROMATOSIS, TYPE I, SOMATIC; Peripheral type neurofibromatosis. Identifiers: Orphanet 636, MedGen C0027831, MONDO:0018975, OMIM 162200. Disease mechanism: loss of function.

Submission:

Labcorp Genetics (formerly Invitae), Labcorp
Classification: Likely pathogenic for Neurofibromatosis, type 1. Last evaluated: 2021-05-02. Review status: criteria provided, single submitter. Criteria: Invitae Variant Classification Sherloc (09022015). Collection method: clinical testing. Allele origin: germline.
Comment: In summary, the currently available evidence indicates that the variant is pathogenic, but additional data are needed to prove that conclusively. Therefore, this variant has been classified as Likely Pathogenic. Algorithms developed to predict the effect of sequence changes on RNA splicing suggest that this variant may create or strengthen a splice site, but this prediction has not been confirmed by published transcriptional studies. Advanced modeling of protein sequence and biophysical properties (such as structural, functional, and spatial information, amino acid conservation, physicochemical variation, residue mobility, and thermodynamic stability) performed at Invitae indicates that this missense variant is expected to disrupt NF1 protein function. This variant has been observed in individual(s) with neurofibromatosis type 1 (PMID: 31766501). This variant is not present in population databases (ExAC no frequency). This sequence change replaces asparagine with lysine at codon 1840 of the NF1 protein (p.Asn1840Lys). The asparagine residue is moderately conserved and there is a moderate physicochemical difference between asparagine and lysine.

Literature cited by the submitters: PubMed 31766501.